The following is an entry in ClinVar:

ClinVar aggregate classification (germline): Uncertain significance. Review status: criteria provided, multiple submitters, no conflicts (2 of 4 stars). 2 submissions from 2 submitters: Uncertain significance (2). Last evaluated 2025-05-01.

Conditions:
Early-infantile DEE. Also called: Early infantile epileptic encephalopathy; Early infantile epileptic encephalopathy with suppression bursts; Ohtahara syndrome. Identifiers: Orphanet 1934, MedGen C0393706, MONDO:0800491.

Allele frequency attached by ClinVar (database versions not stated): gnomAD 0.00001; TOPMed below 0.00001.
gnomAD v4.1: 5 of 1,603,718 alleles (0.00031%); highest among the groups gnomAD compares: Non-Finnish European, 0.00043%; no homozygotes.

Submissions (2):

Labcorp Genetics (formerly Invitae), Labcorp
Classification: Uncertain significance for Early-infantile DEE. Last evaluated: 2025-05-01. Review status: criteria provided, single submitter. Criteria: Invitae Variant Classification Sherloc (09022015). Collection method: clinical testing. Allele origin: germline.
Comment: This sequence change falls in intron 22 of the SPTAN1 gene. It does not directly change the encoded amino acid sequence of the SPTAN1 protein. This variant is not present in population databases (gnomAD no frequency). This variant has not been reported in the literature in individuals affected with SPTAN1-related conditions. ClinVar contains an entry for this variant (Variation ID: 1313449). Algorithms developed to predict the effect of sequence changes on RNA splicing suggest that this variant may disrupt the consensus splice site. In summary, the available evidence is currently insufficient to determine the role of this variant in disease. Therefore, it has been classified as a Variant of Uncertain Significance.

GeneDx
Classification: Uncertain significance. Last evaluated: 2020-10-27. Review status: criteria provided, single submitter. Criteria: GeneDx Variant Classification Process June 2021. Collection method: clinical testing. Allele origin: germline. Affected: yes.
Comment: Not observed in large population cohorts (Lek et al., 2016); Has not been previously published as pathogenic or benign to our knowledge; In-silico analysis, which includes splice predictors and evolutionary conservation, is inconclusive as to whether the variant alters gene splicing. In the absence of RNA/functional studies, the actual effect of this sequence change is unknown.

NM_001130438.3(SPTAN1):c.3156-11C>G

Gene: SPTAN1 (spectrin alpha, non-erythrocytic 1; plus strand). Cytogenetic location: 9q34.11.
Variant type: single nucleotide variant.
Coding change: c.3156-11C>G on transcript NM_001130438.3 (MANE Select); 11 bases into the intron before coding-DNA position 3156, C replaced by G.
Molecular consequence: intron variant.
Genome position (GRCh38, 1-based): chr9:128,592,972, C>G. VCF-style: chr9-128592972-C-G. GRCh37 (hg19) VCF-style: chr9-131355251-C-G.
Other names: c.3192-11C>G (NM_001375318.1, NM_001375312.2); c.3156-11C>G (NM_001375311.2, NM_001375310.1, NM_001363759.2 and 2 more transcripts); c.3156-1203C>G (NM_001375314.2, NM_001363765.2, NM_001195532.2).
Identifiers: ClinVar variation 1313449 (VCV001313449.5), dbSNP rs781434997, ClinGen allele CA1129340033.